The following is an entry in ClinVar:

NM_001387220.1(IKZF2):c.278A>G (p.Asn93Ser)

Gene: IKZF2 (IKAROS family zinc finger 2; minus strand). Cytogenetic location: 2q34.
Variant type: single nucleotide variant.
Coding change: c.278A>G on transcript NM_001387220.1 (MANE Select); coding-DNA position 278, A replaced by G.
Protein change: p.Asn93Ser; replaces asparagine 93 with serine.
Molecular consequence: missense variant.
Genome position (GRCh38, 1-based): chr2:213,056,961, T>C on the plus strand (A>G on the coding strand, the complement: IKZF2 is on the minus strand). VCF-style: chr2-213056961-T-C. GRCh37 (hg19) VCF-style: chr2-213921685-T-C.
Other names: c.278A>G, p.Asn93Ser (NM_001079526.2, NM_001371274.1, NM_001371275.1 and 2 more transcripts); c.275A>G, p.Asn92Ser (NM_001371277.1); short protein forms N93S, N92S.
Identifiers: ClinVar variation 786765 (VCV000786765.29), dbSNP rs16849611, ClinGen allele CA2088915.

ClinVar aggregate classification (germline): Benign/Likely benign. Review status: criteria provided, multiple submitters, no conflicts (2 of 4 stars). 4 submissions from 4 submitters: Benign (3); Likely benign (1). Last evaluated 2026-09-01.

Allele frequency attached by ClinVar (database versions not stated): gnomAD exomes 0.00601 and 0.00637; ExAC 0.00643; gnomAD 0.00720 and 0.00730; ESP Exome Variant Server 0.00838; 1000 Genomes Project 0.01038; 1000 Genomes Project 30x 0.01046; TOPMed 0.00768.
gnomAD v4.1: 10,000 of 1,613,838 alleles (0.62%); highest among the groups gnomAD compares: Middle Eastern, 2.4%; 63 homozygotes.

Submissions (4):

CeGaT Center for Human Genetics Tuebingen
Classification: Benign. Last evaluated: 2026-09-01. Review status: criteria provided, single submitter. Criteria: CeGaT Center For Human Genetics Tuebingen Variant Classification Criteria Version 2. Collection method: clinical testing. Allele origin: germline. Affected: yes. Observed: 7 variant alleles.
Comment: IKZF2: BP4, BS1, BS2

Women's Health and Genetics/Laboratory Corporation of America, LabCorp
Classification: Likely benign. Last evaluated: 2026-01-22. Review status: criteria provided, single submitter. Criteria: LabCorp Variant Classification Summary - May 2015. Collection method: clinical testing. Allele origin: germline.

Labcorp Genetics (formerly Invitae), Labcorp
Classification: Benign. Last evaluated: 2018-08-01. Review status: criteria provided, single submitter. Criteria: Invitae Variant Classification Sherloc (09022015). Collection method: clinical testing. Allele origin: germline.

Breakthrough Genomics
Classification: Benign. Review status: criteria provided, single submitter. Criteria: ACMG Guidelines, 2015. Collection method: not provided. Allele origin: germline. Inheritance: Unknown mechanism. Affected: yes.